The following is an entry in ClinVar:

ClinVar aggregate classification (germline): Pathogenic (1 of 4 stars; one submission).

Conditions:
Primary ciliary dyskinesia. Also called: Ciliary dyskinesia. Identifiers: Orphanet 244, MedGen C0008780, MONDO:0016575, HP:0012265.

Submission:

Labcorp Genetics (formerly Invitae), Labcorp
Classification: Pathogenic for Primary ciliary dyskinesia. Last evaluated: 2025-05-12. Review status: criteria provided, single submitter. Criteria: Invitae Variant Classification Sherloc (09022015). Collection method: clinical testing. Allele origin: germline.
Comment: This sequence change creates a premature translational stop signal (p.Val4284Phefs*9) in the DNAH11 gene. It is expected to result in an absent or disrupted protein product. Loss-of-function variants in DNAH11 are known to be pathogenic (PMID: 18022865, 20513915, 22184204). This variant is not present in population databases (gnomAD no frequency). This variant has not been reported in the literature in individuals affected with DNAH11-related conditions. ClinVar contains an entry for this variant (Variation ID: 3721253). For these reasons, this variant has been classified as Pathogenic.

Literature cited by the submitters: PubMed 18022865; PubMed 20513915; PubMed 22184204.

NM_001277115.2(DNAH11):c.12850del (p.Val4284fs)

Gene: DNAH11 (dynein axonemal heavy chain 11; plus strand). Cytogenetic location: 7p15.3.
Variant type: Deletion.
Coding change: c.12850del on transcript NM_001277115.2 (MANE Select); coding-DNA position 12850, one base deleted (G; older notation c.12850delG).
Protein change: p.Val4284fs; shifts the reading frame from valine 4284.
Molecular consequence: frameshift variant.
Genome position (GRCh38, 1-based): chr7:21,894,722, G deleted. VCF-style (leftmost placement, unchanged base first): chr7-21894721-TG-T. GRCh37 (hg19) VCF-style: chr7-21934339-TG-T.
Other names: short protein forms V4284fs.
Identifiers: ClinVar variation 3721253 (VCV003721253.2).